The following is an entry in ClinVar:

ClinVar aggregate classification (germline): Uncertain significance (1 of 4 stars; one submission).

gnomAD v4.1: 4 of 1,614,172 alleles (0.00025%); highest among the groups gnomAD compares: Middle Eastern, 0.016%; no homozygotes.

Submission:

GeneDx
Classification: Uncertain significance. Last evaluated: 2023-11-16. Review status: criteria provided, single submitter. Criteria: GeneDx Variant Classification Process June 2021. Collection method: clinical testing. Allele origin: germline. Affected: yes.
Comment: In silico analysis supports that this missense variant does not alter protein structure/function; Has not been previously published as pathogenic or benign to our knowledge

NM_001371623.1(TCOF1):c.2695G>T (p.Ala899Ser)

Gene: TCOF1 (treacle ribosome biogenesis factor 1; plus strand). Cytogenetic location: 5q32.
Variant type: single nucleotide variant.
Coding change: c.2695G>T on transcript NM_001371623.1 (MANE Select); coding-DNA position 2695, G replaced by T.
Protein change: p.Ala899Ser; replaces alanine 899 with serine.
Molecular consequence: missense variant.
Genome position (GRCh38, 1-based): chr5:150,379,568, G>T. VCF-style: chr5-150379568-G-T. GRCh37 (hg19) VCF-style: chr5-149759131-G-T.
Other names: c.2464G>T, p.Ala822Ser (NM_000356.4, NM_001135245.2); c.2695G>T, p.Ala899Ser (NM_001008657.3, NM_001135243.2, NM_001135244.2 and 1 more transcripts); short protein forms A822S, A899S.
Identifiers: ClinVar variation 3364316 (VCV003364316.1).